The following is an entry in ClinVar:

NM_152424.4(AMER1):c.1891C>T (p.Arg631Ter)

Gene: AMER1 (APC membrane recruitment protein 1; minus strand). Cytogenetic location: Xq11.2.
Variant type: single nucleotide variant.
Coding change: c.1891C>T on transcript NM_152424.4 (MANE Select); coding-DNA position 1891, C replaced by T.
Protein change: p.Arg631Ter; replaces arginine 631 with a stop codon.
Molecular consequence: nonsense.
Genome position (GRCh38, 1-based): chrX:64,191,396, G>A on the plus strand (C>T on the coding strand, the complement: AMER1 is on the minus strand). VCF-style: chrX-64191396-G-A. GRCh37 (hg19) VCF-style: chrX-63411276-G-A.
Other names: short protein forms R631*.
Identifiers: ClinVar variation 3381391 (VCV003381391.2).

ClinVar aggregate classification (germline): Uncertain significance (1 of 4 stars; one submission).

gnomAD v4.1: 1 of 1,211,402 alleles (0.000083%); no homozygotes.

Submission:

GeneDx
Classification: Uncertain significance. Last evaluated: 2025-02-21. Review status: criteria provided, single submitter. Criteria: GeneDx Variant Classification Process June 2021. Collection method: clinical testing. Allele origin: germline.
Comment: Nonsense variant predicted to result in protein truncation as the last 505 amino acid(s) are lost; Not observed at significant frequency in large population cohorts (gnomAD); This variant is associated with the following publications: (PMID: 26633542, 35982159, 33057194)